The following is an entry in ClinVar:

NM_001145715.3(KPNA7):c.1317+5G>A

Gene: KPNA7 (karyopherin subunit alpha 7; minus strand). Cytogenetic location: 7q22.1.
Variant type: single nucleotide variant.
Coding change: c.1317+5G>A on transcript NM_001145715.3 (MANE Select); 5 bases into the intron after coding-DNA position 1317, G replaced by A.
Molecular consequence: intron variant.
Genome position (GRCh38, 1-based): chr7:99,181,878, C>T on the plus strand (G>A on the coding strand, the complement: KPNA7 is on the minus strand). VCF-style: chr7-99181878-C-T. GRCh37 (hg19) VCF-style: chr7-98779501-C-T.
Identifiers: ClinVar variation 1000829 (VCV001000829.2), dbSNP rs1789263192, ClinGen allele CA1728905932.
Genomic context (GRCh38, chr7:99,181,878, plus strand): 5'-ACATTAAATGCTTGTATCCAGTTGGAGACAGCTATTTACAAACCAACCTGTTCAGAACGG[C>T]TCACCTGGAGGATGCAAGAGATGACATCAAGGATGATGAGAACAATTTTAACATCTGGGG-3'

ClinVar aggregate classification (germline): Uncertain significance (1 of 4 stars; one submission).

Allele frequency attached by ClinVar (database versions not stated): TOPMed below 0.00001.

Submission:

Labcorp Genetics (formerly Invitae), Labcorp
Classification: Uncertain significance. Last evaluated: 2020-08-15. Review status: criteria provided, single submitter. Criteria: Invitae Variant Classification Sherloc (09022015). Collection method: clinical testing. Allele origin: germline.
Comment: This sequence change falls in intron 8 of the KPNA7 gene. It does not directly change the encoded amino acid sequence of the KPNA7 protein, but it affects a nucleotide within the consensus splice site of the intron. This variant is not present in population databases (ExAC no frequency). This variant has not been reported in the literature in individuals with KPNA7-related conditions. Nucleotide substitutions within the consensus splice site are a relatively common cause of aberrant splicing (PMID: 17576681, 9536098). Algorithms developed to predict the effect of sequence changes on RNA splicing suggest that this variant may disrupt the consensus splice site, but this prediction has not been confirmed by published transcriptional studies. In summary, the available evidence is currently insufficient to determine the role of this variant in disease. Therefore, it has been classified as a Variant of Uncertain Significance.

Literature cited by the submitters: PubMed 17576681; PubMed 9536098.